The following is an entry in ClinVar:

ClinVar aggregate classification (germline): Uncertain significance (1 of 4 stars; one submission).

Submission:

Labcorp Genetics (formerly Invitae), Labcorp
Classification: Uncertain significance. Last evaluated: 2025-04-01. Review status: criteria provided, single submitter. Criteria: Invitae Variant Classification Sherloc (09022015). Collection method: clinical testing. Allele origin: germline.
Comment: This sequence change replaces leucine, which is neutral and non-polar, with valine, which is neutral and non-polar, at codon 853 of the PACS2 protein (p.Leu853Val). This variant is not present in population databases (gnomAD no frequency). This variant has not been reported in the literature in individuals affected with PACS2-related conditions. Invitae Evidence Modeling of protein sequence and biophysical properties (such as structural, functional, and spatial information, amino acid conservation, physicochemical variation, residue mobility, and thermodynamic stability) indicates that this missense variant is expected to disrupt PACS2 protein function with a positive predictive value of 80%. In summary, the available evidence is currently insufficient to determine the role of this variant in disease. Therefore, it has been classified as a Variant of Uncertain Significance.

NM_001100913.3(PACS2):c.2557C>G (p.Leu853Val)

Gene: PACS2 (phosphofurin acidic cluster sorting protein 2; plus strand). Cytogenetic location: 14q32.33.
Variant type: single nucleotide variant.
Coding change: c.2557C>G on transcript NM_001100913.3 (MANE Select); coding-DNA position 2557, C replaced by G.
Protein change: p.Leu853Val; replaces leucine 853 with valine.
Molecular consequence: missense variant.
Genome position (GRCh38, 1-based): chr14:105,393,296, C>G. VCF-style: chr14-105393296-C-G. GRCh37 (hg19) VCF-style: chr14-105859633-C-G.
Other names: c.2287C>G, p.Leu763Val (NM_001243127.3); c.2512C>G, p.Leu838Val (NM_015197.4); short protein forms L853V, L763V, L838V.
Identifiers: ClinVar variation 4742723 (VCV004742723.1).